The following is an entry in ClinVar:

NM_017739.4(POMGNT1):c.1439G>A (p.Arg480Gln)

Genes: POMGNT1 (protein O-linked mannose N-acetylglucosaminyltransferase 1 (beta 1,2-); minus strand), TSPAN1 (tetraspanin 1; plus strand). Cytogenetic location: 1p34.1.
Variant type: single nucleotide variant.
Coding change: c.1439G>A on transcript NM_017739.4 (MANE Select); coding-DNA position 1439, G replaced by A.
Protein change: p.Arg480Gln; replaces arginine 480 with glutamine.
Molecular consequence: missense variant.
Genome position (GRCh38, 1-based): chr1:46,192,198, C>T on the plus strand (G>A on the coding strand, the complement: POMGNT1 is on the minus strand). VCF-style: chr1-46192198-C-T. GRCh37 (hg19) VCF-style: chr1-46657870-C-T.
Other names: c.1439G>A, p.Arg480Gln (NM_001243766.2, NM_001410783.1); c.1373G>A, p.Arg458Gln (NM_001290129.3); c.1010G>A, p.Arg337Gln (NM_001290130.2); short protein forms R458Q, R480Q, R337Q.
Identifiers: ClinVar variation 1374276 (VCV001374276.7), dbSNP rs779428703, ClinGen allele CA833369.

ClinVar aggregate classification (germline): Uncertain significance. Review status: criteria provided, multiple submitters, no conflicts (2 of 4 stars). 2 submissions from 2 submitters: Uncertain significance (2). Last evaluated 2025-06-20.

Conditions:
Inborn genetic diseases. Identifiers: MedGen C0950123, MeSH D030342.
Autosomal recessive limb-girdle muscular dystrophy type 2O. Also called: Limb-Girdle Muscular Dystrophy Type 3C; MUSCULAR DYSTROPHY-DYSTROGLYCANOPATHY (LIMB-GIRDLE), TYPE C, 3; MUSCULAR DYSTROPHY-DYSTROGLYCANOPATHY, LIMB-GIRDLE, POMGNT1-RELATED. Identifiers: Orphanet 206564, MedGen C3150417, MONDO:0013161, OMIM 613157.
Muscular dystrophy-dystroglycanopathy (congenital with impaired intellectual development), type B, 3. Also called: MUSCULAR DYSTROPHY, CONGENITAL, POMGNT1-RELATED; Muscular dystrophy-dystroglycanopathy (congenital with intellectual disability), type B3. Identifiers: MedGen C3150412, MONDO:0013155, OMIM 613151.

Allele frequency attached by ClinVar (database versions not stated): gnomAD 0.00001; gnomAD exomes 0.00001; TOPMed 0.00001; ExAC 0.00001.
gnomAD v4.1: 14 of 1,614,060 alleles (0.00087%); highest among the groups gnomAD compares: South Asian, 0.0033%; no homozygotes.

Submissions (2):

Labcorp Genetics (formerly Invitae), Labcorp
Classification: Uncertain significance for Autosomal recessive limb-girdle muscular dystrophy type 2O; Muscular dystrophy-dystroglycanopathy (congenital with impaired intellectual development), type B, 3. Last evaluated: 2025-06-20. Review status: criteria provided, single submitter. Criteria: Invitae Variant Classification Sherloc (09022015). Collection method: clinical testing. Allele origin: germline.
Comment: This sequence change replaces arginine, which is basic and polar, with glutamine, which is neutral and polar, at codon 480 of the POMGNT1 protein (p.Arg480Gln). This variant is present in population databases (rs779428703, gnomAD 0.002%). This variant has not been reported in the literature in individuals affected with POMGNT1-related conditions. ClinVar contains an entry for this variant (Variation ID: 1374276). Invitae Evidence Modeling of protein sequence and biophysical properties (such as structural, functional, and spatial information, amino acid conservation, physicochemical variation, residue mobility, and thermodynamic stability) has been performed for this missense variant. However, the output from this modeling did not meet the statistical confidence thresholds required to predict the impact of this variant on POMGNT1 protein function. In summary, the available evidence is currently insufficient to determine the role of this variant in disease. Therefore, it has been classified as a Variant of Uncertain Significance.

Ambry Genetics
Classification: Uncertain significance for Inborn genetic diseases. Last evaluated: 2025-04-12. Review status: criteria provided, single submitter. Criteria: Ambry Variant Classification Scheme 2023. Collection method: clinical testing. Allele origin: germline.